The following is an entry in ClinVar:

ClinVar aggregate classification (germline): Uncertain significance (1 of 4 stars; one submission).

Conditions:
Ehlers-Danlos syndrome, musculocontractural type 2 (EDSMC2). Identifiers: Orphanet 2953, MedGen C3809845, MONDO:0014236, OMIM 615539.

Submission:

Labcorp Genetics (formerly Invitae), Labcorp
Classification: Uncertain significance for Ehlers-Danlos syndrome, musculocontractural type 2. Last evaluated: 2024-02-20. Review status: criteria provided, single submitter. Criteria: Invitae Variant Classification Sherloc (09022015). Collection method: clinical testing. Allele origin: germline.
Comment: This sequence change replaces threonine, which is neutral and polar, with asparagine, which is neutral and polar, at codon 233 of the DSE protein (p.Thr233Asn). This variant is not present in population databases (gnomAD no frequency). This variant has not been reported in the literature in individuals affected with DSE-related conditions. Advanced modeling of protein sequence and biophysical properties (such as structural, functional, and spatial information, amino acid conservation, physicochemical variation, residue mobility, and thermodynamic stability) performed at Invitae indicates that this missense variant is not expected to disrupt DSE protein function with a negative predictive value of 80%. In summary, the available evidence is currently insufficient to determine the role of this variant in disease. Therefore, it has been classified as a Variant of Uncertain Significance.

NM_013352.4(DSE):c.698C>A (p.Thr233Asn)

Gene: DSE (dermatan sulfate epimerase; plus strand). Cytogenetic location: 6q22.1.
Variant type: single nucleotide variant.
Coding change: c.698C>A on transcript NM_013352.4 (MANE Select); coding-DNA position 698, C replaced by A.
Protein change: p.Thr233Asn; replaces threonine 233 with asparagine.
Molecular consequence: missense variant. On other transcripts: 5 prime UTR variant (1), non-coding transcript variant (1), intron variant (2).
Genome position (GRCh38, 1-based): chr6:116,430,981, C>A. VCF-style: chr6-116430981-C-A. GRCh37 (hg19) VCF-style: chr6-116752144-C-A.
Other names: c.698C>A, p.Thr233Asn (NM_001080976.3, NM_001322937.2, NM_001322938.2 and 2 more transcripts); c.755C>A, p.Thr252Asn (NM_001322939.2); c.137C>A, p.Thr46Asn (NM_001322940.2, NM_001322941.2); c.-166C>A (NM_001374520.1); c.83+4154C>A (NM_001374521.1); c.670+4154C>A (NM_001322943.2); short protein forms T252N, T46N, T233N.
Identifiers: ClinVar variation 3697159 (VCV003697159.2).